The following is an entry in ClinVar:

NM_001846.4(COL4A2):c.4912C>T (p.Gln1638Ter)

Gene: COL4A2 (collagen type IV alpha 2 chain; plus strand). Cytogenetic location: 13q34.
Variant type: single nucleotide variant.
Coding change: c.4912C>T on transcript NM_001846.4 (MANE Select); coding-DNA position 4912, C replaced by T.
Protein change: p.Gln1638Ter; replaces glutamine 1638 with a stop codon.
Molecular consequence: nonsense.
Genome position (GRCh38, 1-based): chr13:110,511,964, C>T. VCF-style: chr13-110511964-C-T. GRCh37 (hg19) VCF-style: chr13-111164311-C-T.
Other names: short protein forms Q1638*.
Identifiers: ClinVar variation 1348773 (VCV001348773.6), dbSNP rs2139564451, ClinGen allele CA388743869.

ClinVar aggregate classification (germline): Uncertain significance (1 of 4 stars; one submission).

Submission:

Labcorp Genetics (formerly Invitae), Labcorp
Classification: Uncertain significance. Last evaluated: 2021-04-25. Review status: criteria provided, single submitter. Criteria: Invitae Variant Classification Sherloc (09022015). Collection method: clinical testing. Allele origin: germline.
Comment: In summary, the available evidence is currently insufficient to determine the role of this variant in disease. Therefore, it has been classified as a Variant of Uncertain Significance. Experimental studies and prediction algorithms are not available or were not evaluated, and the functional significance of this variant is currently unknown. This variant has not been reported in the literature in individuals with COL4A2-related conditions. This variant is not present in population databases (ExAC no frequency). This sequence change creates a premature translational stop signal (p.Gln1638*) in the COL4A2 gene. While this is not anticipated to result in nonsense mediated decay, it is expected to disrupt the last 75 amino acid(s) of the COL4A2 protein.